The following is an entry in ClinVar:

ClinVar aggregate classification (germline): Likely benign (0 of 4 stars; one submission).

Conditions:
CTTNBP2-related disorder. Also called: CTTNBP2-related condition.

Allele frequency attached by ClinVar (database versions not stated): gnomAD exomes 0.00013; ExAC 0.00025; 1000 Genomes Project 0.00060; 1000 Genomes Project 30x 0.00062; ESP Exome Variant Server 0.00062; gnomAD 0.00093; TOPMed 0.00116.
gnomAD v4.1: 347 of 1,613,648 alleles (0.022%); highest among the groups gnomAD compares: African/African-American, 0.31%; 1 homozygote.

Submission:

PreventionGenetics, part of Exact Sciences
Classification: Likely benign for CTTNBP2-related condition. Last evaluated: 2023-12-20. Review status: no assertion criteria provided. Collection method: clinical testing. Allele origin: germline.
Comment: This variant is classified as likely benign based on ACMG/AMP sequence variant interpretation guidelines (Richards et al. 2015 PMID: 25741868, with internal and published modifications).

NM_033427.3(CTTNBP2):c.379G>A (p.Ala127Thr)

Gene: CTTNBP2 (cortactin binding protein 2; minus strand). Cytogenetic location: 7q31.31.
Variant type: single nucleotide variant.
Coding change: c.379G>A on transcript NM_033427.3 (MANE Select); coding-DNA position 379, G replaced by A.
Protein change: p.Ala127Thr; replaces alanine 127 with threonine.
Molecular consequence: missense variant. On other transcripts: 5 prime UTR variant (2).
Genome position (GRCh38, 1-based): chr7:117,810,800, C>T on the plus strand (G>A on the coding strand, the complement: CTTNBP2 is on the minus strand). VCF-style: chr7-117810800-C-T. GRCh37 (hg19) VCF-style: chr7-117450854-C-T.
Other names: c.325G>A, p.Ala109Thr (NM_001363349.1); c.-1556G>A (NM_001363350.1, NM_001363351.1); short protein forms A109T, A127T.
Identifiers: ClinVar variation 3052011 (VCV003052011.2), dbSNP rs143605688, ClinGen allele CA4452918.